The following is an entry in ClinVar:

NM_014244.5(ADAMTS2):c.2085+11A>G

Gene: ADAMTS2 (ADAM metallopeptidase with thrombospondin type 1 motif 2; minus strand). Cytogenetic location: 5q35.3.
Variant type: single nucleotide variant.
Coding change: c.2085+11A>G on transcript NM_014244.5 (MANE Select); 11 bases into the intron after coding-DNA position 2085, A replaced by G.
Molecular consequence: intron variant.
Genome position (GRCh38, 1-based): chr5:179,135,898, T>C on the plus strand (A>G on the coding strand, the complement: ADAMTS2 is on the minus strand). VCF-style: chr5-179135898-T-C. GRCh37 (hg19) VCF-style: chr5-178562899-T-C.
Identifiers: ClinVar variation 515903 (VCV000515903.13), dbSNP rs139255728, ClinGen allele CA3595693.

ClinVar aggregate classification (germline): Benign/Likely benign. Review status: criteria provided, multiple submitters, no conflicts (2 of 4 stars). 4 submissions from 4 submitters: Benign (2); Likely benign (2). Last evaluated 2026-02-04.

Conditions:
Ehlers-Danlos syndrome, dermatosparaxis type. Also called: Ehlers-Danlos syndrome, type VII, autosomal recessive; EDS VIIC; Dermatosparaxis. Identifiers: Orphanet 1901, MedGen C2700425, MONDO:0009161, OMIM 225410.

Allele frequency attached by ClinVar (database versions not stated): gnomAD 0.00040 and 0.00064; gnomAD exomes 0.00054 and 0.00161; TOPMed 0.00114; ExAC 0.00162; 1000 Genomes Project 0.00379; 1000 Genomes Project 30x 0.00390.
gnomAD v4.1: 874 of 1,613,030 alleles (0.054%); highest among the groups gnomAD compares: East Asian, 1.8%; 11 homozygotes.

Submissions (4):

Labcorp Genetics (formerly Invitae), Labcorp
Classification: Benign for Ehlers-Danlos syndrome, dermatosparaxis type. Last evaluated: 2026-02-04. Review status: criteria provided, single submitter. Criteria: Invitae Variant Classification Sherloc (09022015). Collection method: clinical testing. Allele origin: germline.

Blueprint Genetics
Classification: Likely benign. Last evaluated: 2024-10-07. Review status: criteria provided, single submitter. Criteria: ACMG Guidelines, 2015. Collection method: clinical testing. Allele origin: germline.

GeneDx
Classification: Likely benign. Last evaluated: 2018-03-09. Review status: criteria provided, single submitter. Criteria: GeneDx Variant Classification (06012015). Collection method: clinical testing. Allele origin: germline. Affected: yes.
Comment: This variant is considered likely benign or benign based on one or more of the following criteria: it is a conservative change, it occurs at a poorly conserved position in the protein, it is predicted to be benign by multiple in silico algorithms, and/or has population frequency not consistent with disease.

Illumina Laboratory Services, Illumina
Classification: Benign for Ehlers-Danlos syndrome, dermatosparaxis type. Last evaluated: 2018-01-13. Review status: criteria provided, single submitter. Criteria: ICSL Variant Classification Criteria 13 December 2019. Collection method: clinical testing. Allele origin: germline.
Comment: This variant was observed in the ICSL laboratory as part of a predisposition screen in an ostensibly healthy population. It had not been previously curated by ICSL or reported in the Human Gene Mutation Database (HGMD: prior to June 1st, 2018), and was therefore a candidate for classification through an automated scoring system. Utilizing variant allele frequency, disease prevalence and penetrance estimates, and inheritance mode, an automated score was calculated to assess if this variant is too frequent to cause the disease. Based on the score and internal cut-off values, a variant classified as benign is not then subjected to further curation. The score for this variant resulted in a classification of benign for this disease.